The following is an entry in ClinVar:

NM_001005242.3(PKP2):c.1687T>C (p.Cys563Arg)

Gene: PKP2 (plakophilin 2; minus strand). Cytogenetic location: 12p11.21.
Variant type: single nucleotide variant.
Coding change: c.1687T>C on transcript NM_001005242.3 (MANE Select); coding-DNA position 1687, T replaced by C.
Protein change: p.Cys563Arg; replaces cysteine 563 with arginine.
Molecular consequence: missense variant. On other transcripts: intron variant (1).
Genome position (GRCh38, 1-based): chr12:32,822,619, A>G on the plus strand (T>C on the coding strand, the complement: PKP2 is on the minus strand). VCF-style: chr12-32822619-A-G. GRCh37 (hg19) VCF-style: chr12-32975553-A-G.
Other names: c.1687T>C, p.Cys563Arg (NM_001407155.1, NM_001407161.1); c.1819T>C, p.Cys607Arg (NM_001407157.1, NM_004572.4); c.1360T>C, p.Cys454Arg (NM_001407158.1, NM_001407159.1, NM_001407160.1 and 1 more transcripts); c.1675-1090T>C (NM_001407156.1); short protein forms C454R, C563R, C607R.
Identifiers: ClinVar variation 4722505 (VCV004722505.1).

ClinVar aggregate classification (germline): Uncertain significance (1 of 4 stars; one submission).

Conditions:
Arrhythmogenic right ventricular dysplasia 9 (ARVD9). Also called: Arrhythmogenic Right Ventricular Dysplasia/Cardiomyopathy 9; ARRHYTHMOGENIC RIGHT VENTRICULAR DYSPLASIA, FAMILIAL, 9. Identifiers: MedGen C1836906, MONDO:0012180, OMIM 609040.

Submission:

Labcorp Genetics (formerly Invitae), Labcorp
Classification: Uncertain significance for Arrhythmogenic right ventricular dysplasia 9. Last evaluated: 2025-07-08. Review status: criteria provided, single submitter. Criteria: Invitae Variant Classification Sherloc (09022015). Collection method: clinical testing. Allele origin: germline.
Comment: This sequence change replaces cysteine, which is neutral and slightly polar, with arginine, which is basic and polar, at codon 607 of the PKP2 protein (p.Cys607Arg). This variant is not present in population databases (gnomAD no frequency). This variant has not been reported in the literature in individuals affected with PKP2-related conditions. An algorithm developed to predict the effect of missense changes on protein structure and function (PolyPhen-2) suggests that this variant is likely to be disruptive. In summary, the available evidence is currently insufficient to determine the role of this variant in disease. Therefore, it has been classified as a Variant of Uncertain Significance.